The following is an entry in ClinVar:

NM_001267550.2(TTN):c.44878C>T (p.Arg14960Ter)

Gene: TTN (titin; minus strand). Cytogenetic location: 2q31.2.
Variant type: single nucleotide variant.
Coding change: c.44878C>T on transcript NM_001267550.2 (MANE Select); coding-DNA position 44878, C replaced by T.
Protein change: p.Arg14960Ter; replaces arginine 14960 with a stop codon.
Molecular consequence: nonsense.
Genome position (GRCh38, 1-based): chr2:178,622,705, G>A on the plus strand (C>T on the coding strand, the complement: TTN is on the minus strand). VCF-style: chr2-178622705-G-A. GRCh37 (hg19) VCF-style: chr2-179487432-G-A.
Other names: c.39955C>T, p.Arg13319Ter (NM_001256850.1); c.17683C>T, p.Arg5895Ter (NM_003319.4); c.37174C>T, p.Arg12392Ter (NM_133378.4); c.18058C>T, p.Arg6020Ter (NM_133432.3); c.18259C>T, p.Arg6087Ter (NM_133437.4); short protein forms R13319*, R12392*, R5895*, R14960*, R6020*, R6087*.
Identifiers: ClinVar variation 1043359 (VCV001043359.11), dbSNP rs2058478213, ClinGen allele CA349638734.

ClinVar aggregate classification (germline): Likely pathogenic. Review status: criteria provided, multiple submitters, no conflicts (2 of 4 stars). 2 submissions from 2 submitters: Likely pathogenic (2). Last evaluated 2025-08-12.

Conditions:
Cardiovascular phenotype. Identifiers: MedGen CN230736.
Dilated cardiomyopathy 1G (CMD1G). Identifiers: Orphanet 154, MedGen C1858763, MONDO:0011400, OMIM 604145.
Autosomal recessive limb-girdle muscular dystrophy type 2J (LGMDR10). Also called: Limb-girdle muscular dystrophy, type 2J; MUSCULAR DYSTROPHY, LIMB-GIRDLE, AUTOSOMAL RECESSIVE 10. Identifiers: Orphanet 140922, MedGen C1837342, MONDO:0012127, OMIM 608807.

Allele frequency attached by ClinVar (database versions not stated): TOPMed below 0.00001.

Submissions (2):

Ambry Genetics
Classification: Likely pathogenic for Cardiovascular phenotype. Last evaluated: 2025-08-12. Review status: criteria provided, single submitter. Criteria: Ambry Variant Classification Scheme 2023. Collection method: clinical testing. Allele origin: germline.
Comment: The p.R5895* variant (also known as c.17683C>T), located in coding exon 70 of the TTN gene, results from a C to T substitution at nucleotide position 17683. This changes the amino acid from an arginine to a stop codon within coding exon 70. This exon is located in the I-band region of the N2-B isoform of the titin protein and is constitutively expressed in TTN transcripts (percent spliced in or PSI 100%). This variant is considered to be rare based on population cohorts in the Genome Aggregation Database (gnomAD). This variant is expected to result in loss of function by premature protein truncation or nonsense-mediated mRNA decay. While truncating variants in TTN are present in 1-3% of the general population, truncating variants in the A-band are the most common cause of dilated cardiomyopathy (Herman DS et al. N. Engl. J. Med., 2012 Feb;366:619-28; Roberts AM et al. Sci Transl Med, 2015 Jan;7:270ra6). TTN truncating variants encoded in constitutive exons (PSI >90%) have been found to be significantly associated with DCM regardless of their position in titin (Schafer S et al. Nat. Genet., 2017 01;49:46-53; Akhtar MM et al. Circ Heart Fail, 2020 Oct;13:e006832; Massier M et al. Clin Genet, 2025 Jan). Based on the majority of available evidence to date, this variant is likely to be pathogenic.

Labcorp Genetics (formerly Invitae), Labcorp
Classification: Likely pathogenic for Dilated cardiomyopathy 1G; Autosomal recessive limb-girdle muscular dystrophy type 2J. Last evaluated: 2024-10-28. Review status: criteria provided, single submitter. Criteria: Invitae Variant Classification Sherloc (09022015). Collection method: clinical testing. Allele origin: germline.
Comment: This sequence change creates a premature translational stop signal (p.Arg14960*) in the TTN gene. While this is not anticipated to result in nonsense mediated decay, it is expected to create a truncated TTN protein. This variant is not present in population databases (gnomAD no frequency). This variant has not been observed in the literature in individuals with autosomal recessive TTN-related conditions. This variant has been reported in individual(s) with autosomal dominant dilated cardiomyopathy (internal data); however, the role of the variant in this condition is currently unclear. ClinVar contains an entry for this variant (Variation ID: 1043359). This variant is located in the I band of TTN (PMID: 25589632). Truncating variants in this region have been reported in individuals affected with autosomal recessive centronuclear myopathy (PMID: 23975875, internal data). Truncating variants in this region have also been identified in individuals affected with autosomal dominant dilated cardiomyopathy and/or cardio-related conditions (PMID: 27869827, 32964742, internal data). In summary, the currently available evidence indicates that the variant is pathogenic, but additional data are needed to prove that conclusively. Therefore, this variant has been classified as Likely Pathogenic.

Literature cited by the submitters: PubMed 25589632 (cited by Labcorp Genetics (formerly Invitae), Labcorp); PubMed 23975875 (cited by Labcorp Genetics (formerly Invitae), Labcorp); PubMed 27869827 (cited by Labcorp Genetics (formerly Invitae), Labcorp); PubMed 32964742 (cited by Labcorp Genetics (formerly Invitae), Labcorp).